The following is an entry in ClinVar:

NM_024877.4(CCNP):c.426T>C (p.Ala142=)

Genes: CCNP (cyclin P; minus strand), LOC126862910 (P300/CBP strongly-dependent group 1 enhancer GRCh37_chr19:40729726-40730925; plus strand). Cytogenetic location: 19q13.2.
Variant type: single nucleotide variant.
Coding change: c.426T>C on transcript NM_024877.4 (MANE Select); coding-DNA position 426, T replaced by C.
Protein change: p.Ala142=; no amino-acid change (alanine 142 retained).
Molecular consequence: synonymous variant.
Genome position (GRCh38, 1-based): chr19:40,224,575, A>G on the plus strand (T>C on the coding strand, the complement: CCNP is on the minus strand). VCF-style: chr19-40224575-A-G. GRCh37 (hg19) VCF-style: chr19-40730482-A-G.
Other names: c.426T>C, p.Ala142= (NM_001411133.1).
Identifiers: ClinVar variation 3350649 (VCV003350649.1).

ClinVar aggregate classification (germline): Likely benign (0 of 4 stars; one submission).

Conditions:
CCNP-related disorder. Also called: CCNP-related condition.

Submission:

PreventionGenetics, part of Exact Sciences
Classification: Likely benign for CCNP-related condition. Last evaluated: 2024-04-09. Review status: no assertion criteria provided. Collection method: clinical testing. Allele origin: germline.
Comment: This variant is classified as likely benign based on ACMG/AMP sequence variant interpretation guidelines (Richards et al. 2015 PMID: 25741868, with internal and published modifications).